The following is an entry in ClinVar:

NM_000444.6(PHEX):c.664-3C>G

Gene: PHEX (phosphate regulating endopeptidase X-linked; plus strand). Cytogenetic location: Xp22.11.
Variant type: single nucleotide variant.
Coding change: c.664-3C>G on transcript NM_000444.6 (MANE Select); 3 bases into the intron before coding-DNA position 664, C replaced by G.
Molecular consequence: intron variant.
Genome position (GRCh38, 1-based): chrX:22,090,426, C>G. VCF-style: chrX-22090426-C-G. GRCh37 (hg19) VCF-style: chrX-22108544-C-G.
Other names: c.664-3C>G (NM_001282754.2).
Identifiers: ClinVar variation 3656343 (VCV003656343.2).
Genomic context (GRCh38, chrX:22,090,426, plus strand): 5'-TGTTAACATGGTACGTAAGAATTTACAGTGCTAGCAGAATGCTTTCTGTTTTTGTTTTTA[C>G]AGCTGGACCAAGCAACACTCTCCCTGGCCGTGAGGGAAGACTACCTTGATAACAGTACAG-3'

ClinVar aggregate classification (germline): Uncertain significance (1 of 4 stars; one submission).

Submission:

Labcorp Genetics (formerly Invitae), Labcorp
Classification: Uncertain significance. Last evaluated: 2024-06-12. Review status: criteria provided, single submitter. Criteria: Invitae Variant Classification Sherloc (09022015). Collection method: clinical testing. Allele origin: germline.
Comment: This sequence change falls in intron 5 of the PHEX gene. It does not directly change the encoded amino acid sequence of the PHEX protein. It affects a nucleotide within the consensus splice site. This variant is not present in population databases (gnomAD no frequency). This variant has not been reported in the literature in individuals affected with PHEX-related conditions. Variants that disrupt the consensus splice site are a relatively common cause of aberrant splicing (PMID: 17576681, 9536098). Algorithms developed to predict the effect of sequence changes on RNA splicing suggest that this variant may disrupt the consensus splice site. In summary, the available evidence is currently insufficient to determine the role of this variant in disease. Therefore, it has been classified as a Variant of Uncertain Significance.

Literature cited by the submitters: PubMed 17576681; PubMed 9536098.